The following is an entry in ClinVar:

NM_018027.5(FRMD4A):c.45+232937C>T

Gene: FRMD4A (FERM domain containing 4A; minus strand). Cytogenetic location: 10p13.
Variant type: single nucleotide variant.
Coding change: c.45+232937C>T on transcript NM_018027.5 (MANE Select); 232937 bases into the intron after coding-DNA position 45, C replaced by T.
Molecular consequence: intron variant. On other transcripts: non-coding transcript variant (1).
Genome position (GRCh38, 1-based): chr10:14,097,121, G>A on the plus strand (C>T on the coding strand, the complement: FRMD4A is on the minus strand). VCF-style: chr10-14097121-G-A. GRCh37 (hg19) VCF-style: chr10-14139120-G-A.
Identifiers: ClinVar variation 4534510 (VCV004534510.6).

ClinVar aggregate classification (germline): Benign (1 of 4 stars; one submission).

Submission:

CeGaT Center for Human Genetics Tuebingen
Classification: Benign. Last evaluated: 2026-04-01. Review status: criteria provided, single submitter. Criteria: CeGaT Center For Human Genetics Tuebingen Variant Classification Criteria Version 2. Collection method: clinical testing. Allele origin: germline. Affected: yes. Observed: 2 variant alleles.
Comment: FRMD4A: BP4, BP7, BS1, BS2